The following is an entry in ClinVar:

ClinVar aggregate classification (germline): Uncertain significance (1 of 4 stars; one submission).

Conditions:
Hereditary cancer-predisposing syndrome. Also called: Neoplastic Syndromes, Hereditary; Tumor predisposition; Hereditary Cancer Syndrome; Hereditary neoplastic syndrome. Identifiers: Orphanet 140162, MedGen C0027672, MeSH D009386, MONDO:0015356.

gnomAD v4.1: 1 of 1,614,112 alleles (0.000062%); highest among the groups gnomAD compares: Non-Finnish European, 0.000085%; no homozygotes.

Submission:

Ambry Genetics
Classification: Uncertain significance for Hereditary cancer-predisposing syndrome. Last evaluated: 2025-10-21. Review status: criteria provided, single submitter. Criteria: Ambry Variant Classification Scheme 2023. Collection method: clinical testing. Allele origin: germline.
Comment: The p.L2465P variant (also known as c.7394T>C), located in coding exon 15 of the APC gene, results from a T to C substitution at nucleotide position 7394. The leucine at codon 2465 is replaced by proline, an amino acid with similar properties. This amino acid position is highly conserved in available vertebrate species. In addition, in silico predictors for this gene do not accurately predict pathogenicity. Missense variants in APC are not a common cause of disease (Spier I et al. Genet Med. 2024 Feb;26(2):100992). Based on the available evidence, the clinical significance of this variant remains unclear.

NM_000038.6(APC):c.7394T>C (p.Leu2465Pro)

Gene: APC (APC regulator of Wnt signaling pathway; plus strand). Cytogenetic location: 5q22.2.
Variant type: single nucleotide variant.
Coding change: c.7394T>C on transcript NM_000038.6 (MANE Select); coding-DNA position 7394, T replaced by C.
Protein change: p.Leu2465Pro; replaces leucine 2465 with proline.
Molecular consequence: missense variant. On other transcripts: non-coding transcript variant (2).
Genome position (GRCh38, 1-based): chr5:112,842,988, T>C. VCF-style: chr5-112842988-T-C. GRCh37 (hg19) VCF-style: chr5-112178685-T-C.
Other names: c.7145T>C, p.Leu2382Pro (NM_001407454.1, NM_001407455.1, NM_001407456.1 and 1 more transcripts); c.7091T>C, p.Leu2364Pro (NM_001407458.1, NM_001407459.1, NM_001407460.1 and 1 more transcripts); c.7007T>C, p.Leu2336Pro (NM_001407467.1, NM_001407469.1); c.6545T>C, p.Leu2182Pro (NM_001407470.1, NM_001354906.2); c.6242T>C, p.Leu2081Pro (NM_001407471.1, NM_001407472.1); c.7394T>C, p.Leu2465Pro (NM_001127510.3, NM_001354895.2, NM_001407450.1); c.7340T>C, p.Leu2447Pro (NM_001127511.3); c.7448T>C, p.Leu2483Pro (NM_001354896.2, NM_001407447.1, NM_001407448.1 and 1 more transcripts); and 11 more; short protein forms L2081P, L2305P, L2339P, L2440P, L2447P, L2458P, L2475P, L2364P.
Identifiers: ClinVar variation 4583341 (VCV004583341.1).